The following is an entry in ClinVar:

ClinVar aggregate classification (germline): Likely pathogenic (1 of 4 stars; one submission).

Conditions:
Atypical glycine encephalopathy. Also called: Glycine encephalopathy with normal serum glycine. Identifiers: Orphanet 289863, MedGen C4310943, MONDO:0015010, OMIM 617301.

gnomAD v4.1: 3 of 1,613,940 alleles (0.00019%); highest among the groups gnomAD compares: Non-Finnish European, 0.00025%; no homozygotes.

Submission:

Department of Genetics, Sultan Qaboos University Hospital
Classification: Likely pathogenic for Atypical glycine encephalopathy. Last evaluated: 2026-04-01. Review status: criteria provided, single submitter. Criteria: ACMG Guidelines, 2015. Collection method: clinical testing. Allele origin: germline. Affected: yes. Observed: 1 variant allele.
Comment: PP1_Strong, PM2_Supporting, PP3_Supporting, PP4_Supporting

NM_001024845.3(SLC6A9):c.640C>T (p.Arg214Trp)

Gene: SLC6A9 (solute carrier family 6 member 9; minus strand). Cytogenetic location: 1p34.1.
Variant type: single nucleotide variant.
Coding change: c.640C>T on transcript NM_001024845.3 (MANE Select); coding-DNA position 640, C replaced by T.
Protein change: p.Arg214Trp; replaces arginine 214 with tryptophan.
Molecular consequence: missense variant. On other transcripts: non-coding transcript variant (1).
Genome position (GRCh38, 1-based): chr1:44,002,936, G>A on the plus strand (C>T on the coding strand, the complement: SLC6A9 is on the minus strand). VCF-style: chr1-44002936-G-A. GRCh37 (hg19) VCF-style: chr1-44468608-G-A.
Other names: c.577C>T, p.Arg193Trp (NM_001328627.1); c.445C>T, p.Arg149Trp (NM_001328628.1); c.640C>T, p.Arg214Trp (NM_001328629.1); c.307C>T, p.Arg103Trp (NM_001328630.2, NM_001328626.2); c.697C>T, p.Arg233Trp (NM_006934.4); c.859C>T, p.Arg287Trp (NM_201649.4); c.652C>T, p.Arg218Trp (NM_001261380.2); short protein forms R103W, R149W, R193W, R214W, R218W, R233W, R287W.
Identifiers: ClinVar variation 4852413 (VCV004852413.1).
Genomic context (GRCh38, chr1:44,002,936, plus strand): 5'-GGATGAGGCAGAGGAAGACGACCAACCAGGAGACACCGAGGCAGCCAAGGAGGGGCAGCC[G>A]CACCTCCCCAAAGTTCCCAATGTCATCTGACAGCTTCAGCACGTACAGCCTGGGAAGGGG-3'
Protein context (NP_001020016.1, residues 204-224): SDDIGNFGEV[Arg214Trp]LPLLGCLGVS